The following is an entry in ClinVar:

NM_001903.5(CTNNA1):c.2419C>T (p.Leu807Phe)

Gene: CTNNA1 (catenin alpha 1; plus strand). Cytogenetic location: 5q31.2.
Variant type: single nucleotide variant.
Coding change: c.2419C>T on transcript NM_001903.5 (MANE Select); coding-DNA position 2419, C replaced by T.
Protein change: p.Leu807Phe; replaces leucine 807 with phenylalanine.
Molecular consequence: missense variant. On other transcripts: intron variant (1).
Genome position (GRCh38, 1-based): chr5:138,932,698, C>T. VCF-style: chr5-138932698-C-T. GRCh37 (hg19) VCF-style: chr5-138268387-C-T.
Other names: c.2110C>T, p.Leu704Phe (NM_001290309.3); c.2050C>T, p.Leu684Phe (NM_001290310.3); c.1309C>T, p.Leu437Phe (NM_001290312.1, NM_001323987.1, NM_001323998.1 and 16 more transcripts); c.2419C>T, p.Leu807Phe (NM_001323982.2, NM_001323983.1, NM_001323984.2 and 2 more transcripts); c.2326C>T, p.Leu776Phe (NM_001323986.2); c.970C>T, p.Leu324Phe (NM_001324006.1, NM_001324007.1, NM_001324008.1 and 2 more transcripts); c.1216C>T, p.Leu406Phe (NM_001324011.1); c.1066C>T, p.Leu356Phe (NM_001324012.1, NM_001324013.1); and 1 more; short protein forms L356F, L776F, L807F, L406F, L437F, L704F, L324F, L684F.
Identifiers: ClinVar variation 3706858 (VCV003706858.2).

ClinVar aggregate classification (germline): Uncertain significance (1 of 4 stars; one submission).

Submission:

Labcorp Genetics (formerly Invitae), Labcorp
Classification: Uncertain significance. Last evaluated: 2025-01-20. Review status: criteria provided, single submitter. Criteria: Invitae Variant Classification Sherloc (09022015). Collection method: clinical testing. Allele origin: germline.
Comment: This sequence change replaces leucine, which is neutral and non-polar, with phenylalanine, which is neutral and non-polar, at codon 807 of the CTNNA1 protein (p.Leu807Phe). This variant is not present in population databases (gnomAD no frequency). This variant has not been reported in the literature in individuals affected with CTNNA1-related conditions. An algorithm developed to predict the effect of missense changes on protein structure and function (PolyPhen-2) suggests that this variant is likely to be disruptive. In summary, the available evidence is currently insufficient to determine the role of this variant in disease. Therefore, it has been classified as a Variant of Uncertain Significance.